The following is an entry in ClinVar:

ClinVar aggregate classification (germline): Uncertain significance (1 of 4 stars; one submission).

gnomAD v4.1: 5 of 1,613,396 alleles (0.00031%); highest among the groups gnomAD compares: Admixed American, 0.0083%; no homozygotes.

Submission:

Labcorp Genetics (formerly Invitae), Labcorp
Classification: Uncertain significance. Last evaluated: 2025-09-12. Review status: criteria provided, single submitter. Criteria: Invitae Variant Classification Sherloc (09022015). Collection method: clinical testing. Allele origin: germline.
Comment: This sequence change replaces valine, which is neutral and non-polar, with alanine, which is neutral and non-polar, at codon 377 of the LIPN protein (p.Val377Ala). This variant is present in population databases (rs767434712, gnomAD 0.02%). This variant has not been reported in the literature in individuals affected with LIPN-related conditions. An algorithm developed to predict the effect of missense changes on protein structure and function (PolyPhen-2) suggests that this variant is likely to be tolerated. In summary, the available evidence is currently insufficient to determine the role of this variant in disease. Therefore, it has been classified as a Variant of Uncertain Significance.

NM_001102469.2(LIPN):c.1130T>C (p.Val377Ala)

Gene: LIPN (lipase family member N; plus strand). Cytogenetic location: 10q23.31.
Variant type: single nucleotide variant.
Coding change: c.1130T>C on transcript NM_001102469.2 (MANE Select); coding-DNA position 1130, T replaced by C.
Protein change: p.Val377Ala; replaces valine 377 with alanine.
Molecular consequence: missense variant.
Genome position (GRCh38, 1-based): chr10:88,778,175, T>C. VCF-style: chr10-88778175-T-C. GRCh37 (hg19) VCF-style: chr10-90537932-T-C.
Other names: short protein forms V377A.
Identifiers: ClinVar variation 4692525 (VCV004692525.1).